The following is an entry in ClinVar:

ClinVar aggregate classification (germline): Uncertain significance. Review status: criteria provided, multiple submitters, no conflicts (2 of 4 stars). 2 submissions from 2 submitters: Uncertain significance (2). Last evaluated 2022-05-19.

Conditions:
Glycogen storage disease, type II (IOPD). Also called: Glucosidase acid-1,4-alpha deficiency; Pompe Disease; Glycogen storage disease type 2; Acid maltase deficiency disease; Aglucosidase alfa; Deficiency of alpha-glucosidase. Identifiers: Orphanet 365, MedGen C0017921, MONDO:0009290, OMIM 232300.

Allele frequency attached by ClinVar (database versions not stated): gnomAD exomes below 0.00001.
gnomAD v4.1: 4 of 1,613,674 alleles (0.00025%); highest among the groups gnomAD compares: Non-Finnish European, 0.00034%; no homozygotes.

Submissions (2):

Labcorp Genetics (formerly Invitae), Labcorp
Classification: Uncertain significance for Glycogen storage disease, type II. Last evaluated: 2022-05-19. Review status: criteria provided, single submitter. Criteria: Invitae Variant Classification Sherloc (09022015). Collection method: clinical testing. Allele origin: germline.
Comment: This sequence change replaces isoleucine, which is neutral and non-polar, with threonine, which is neutral and polar, at codon 336 of the GAA protein (p.Ile336Thr). In summary, the available evidence is currently insufficient to determine the role of this variant in disease. Therefore, it has been classified as a Variant of Uncertain Significance. Advanced modeling of protein sequence and biophysical properties (such as structural, functional, and spatial information, amino acid conservation, physicochemical variation, residue mobility, and thermodynamic stability) performed at Invitae indicates that this missense variant is expected to disrupt GAA protein function. This variant has not been reported in the literature in individuals affected with GAA-related conditions. This variant is not present in population databases (gnomAD no frequency).

Revvity Omics, Revvity
Classification: Uncertain significance. Last evaluated: 2022-04-11. Review status: criteria provided, single submitter. Criteria: ACMG Guidelines, 2015. Collection method: clinical testing. Allele origin: germline.

NM_000152.5(GAA):c.1007T>C (p.Ile336Thr)

Gene: GAA (alpha glucosidase; plus strand). Cytogenetic location: 17q25.3.
Variant type: single nucleotide variant.
Coding change: c.1007T>C on transcript NM_000152.5 (MANE Select); coding-DNA position 1007, T replaced by C.
Protein change: p.Ile336Thr; replaces isoleucine 336 with threonine.
Molecular consequence: missense variant.
Genome position (GRCh38, 1-based): chr17:80,108,341, T>C. VCF-style: chr17-80108341-T-C. GRCh37 (hg19) VCF-style: chr17-78082140-T-C.
Other names: c.1007T>C, p.Ile336Thr (NM_001079803.3, NM_001079804.3, NM_001406741.1 and 1 more transcripts); short protein forms I336T.
Identifiers: ClinVar variation 2070427 (VCV002070427.7), dbSNP rs772371937, ClinGen allele CA401364557.